The following is an entry in ClinVar:

ClinVar aggregate classification (germline): Likely benign. Review status: criteria provided, multiple submitters, no conflicts (2 of 4 stars). 4 submissions from 4 submitters: Likely benign (4). Last evaluated 2025-12-29.

Conditions:
CHCHD2-related disorder. Also called: CHCHD2-related condition.

Allele frequency attached by ClinVar (database versions not stated): gnomAD 0.00016 and 0.00031; TOPMed 0.00020; ESP Exome Variant Server 0.00031; ExAC 0.00079; gnomAD exomes 0.00080; 1000 Genomes Project 30x 0.00125; 1000 Genomes Project 0.00140.

Submissions (4):

PreventionGenetics, part of Exact Sciences
Classification: Likely benign for CHCHD2-related condition. Last evaluated: 2025-12-29. Review status: criteria provided, single submitter. Criteria: ACMG Guidelines, 2015. Collection method: clinical testing. Allele origin: germline.
Comment: This variant is classified as likely benign based on ACMG/AMP sequence variant interpretation guidelines (Richards et al. 2015 PMID: 25741868, with internal and published modifications).

Labcorp Genetics (formerly Invitae), Labcorp
Classification: Likely benign. Last evaluated: 2025-05-13. Review status: criteria provided, single submitter. Criteria: Invitae Variant Classification Sherloc (09022015). Collection method: clinical testing. Allele origin: germline.

CeGaT Center for Human Genetics Tuebingen
Classification: Likely benign. Last evaluated: 2023-07-01. Review status: criteria provided, single submitter. Criteria: CeGaT Center For Human Genetics Tuebingen Variant Classification Criteria Version 2. Collection method: clinical testing. Allele origin: germline. Affected: yes. Observed: 1 variant allele.
Comment: CHCHD2: BS2

Breakthrough Genomics
Classification: Likely benign. Review status: criteria provided, single submitter. Criteria: ACMG Guidelines, 2015. Collection method: not provided. Allele origin: germline. Inheritance: Autosomal dominant inheritance. Affected: yes.

NM_016139.4(CHCHD2):c.40C>T (p.Pro14Ser)

Genes: CHCHD2 (coiled-coil-helix-coiled-coil-helix domain containing 2; minus strand), LOC129998502 (ATAC-STARR-seq lymphoblastoid active region 26053; plus strand). Cytogenetic location: 7p11.2.
Variant type: single nucleotide variant.
Coding change: c.40C>T on transcript NM_016139.4 (MANE Select); coding-DNA position 40, C replaced by T.
Protein change: p.Pro14Ser; replaces proline 14 with serine.
Molecular consequence: missense variant.
Genome position (GRCh38, 1-based): chr7:56,106,374, G>A on the plus strand (C>T on the coding strand, the complement: CHCHD2 is on the minus strand). VCF-style: chr7-56106374-G-A. GRCh37 (hg19) VCF-style: chr7-56174067-G-A.
Other names: c.40C>T, p.Pro14Ser (NM_001320327.2); c.40C>T (NM_016139.3); short protein forms P14S.
Identifiers: ClinVar variation 1102651 (VCV001102651.35), dbSNP rs137965562, ClinGen allele CA4270622.